The following is an entry in ClinVar:

NM_001374736.1(DST):c.14515A>G (p.Thr4839Ala)

Gene: DST (dystonin; minus strand). Cytogenetic location: 6p12.1.
Variant type: single nucleotide variant.
Coding change: c.14515A>G on transcript NM_001374736.1 (MANE Select); coding-DNA position 14515, A replaced by G.
Protein change: p.Thr4839Ala; replaces threonine 4839 with alanine.
Molecular consequence: missense variant.
Genome position (GRCh38, 1-based): chr6:56,557,444, T>C on the plus strand (A>G on the coding strand, the complement: DST is on the minus strand). VCF-style: chr6-56557444-T-C. GRCh37 (hg19) VCF-style: chr6-56422242-T-C.
Other names: c.8158A>G, p.Thr2720Ala (NM_001144769.5); c.7744A>G, p.Thr2582Ala (NM_001144770.2); c.14515A>G, p.Thr4839Ala (NM_001374722.1); c.13882A>G, p.Thr4628Ala (NM_001374729.1); c.7624A>G, p.Thr2542Ala (NM_001374730.1, NM_183380.4); c.14542A>G, p.Thr4848Ala (NM_001374734.1); c.6646A>G, p.Thr2216Ala (NM_015548.5); short protein forms T4628A, T2216A, T2542A, T4839A, T4848A, T2582A, T2720A.
Identifiers: ClinVar variation 964802 (VCV000964802.7), dbSNP rs371655301, ClinGen allele CA3867994.
Genomic context (GRCh38, chr6:56,557,444, plus strand): 5'-CCATAAGTTCTTTTTCCACAAGCCACTGTTTCAATTGGGCCTCTACAGTCTGGAACTGGG[T>C]TAGATTATTGGAGGATTCTTCCAGTTTTTGTTGTCTATCAATTGTTAATTGATTGAGTTC-3'
Protein context (NP_001361665.1, residues 4829-4849): QKLEESSNNL[Thr4839Ala]QFQTVEAQLK

ClinVar aggregate classification (germline): Uncertain significance. Review status: criteria provided, multiple submitters, no conflicts (2 of 4 stars). 2 submissions from 2 submitters: Uncertain significance (2). Last evaluated 2021-08-20.

Conditions:
Inborn genetic diseases. Identifiers: MedGen C0950123, MeSH D030342.
Epidermolysis bullosa simplex 3, localized or generalized intermediate, with BP230 deficiency (EBS3). Also called: Epidermolysis bullosa simplex, autosomal recessive 2; Epidermolysis bullosa simplex due to BP230 deficiency. Identifiers: Orphanet 412181, MedGen C3809470, MONDO:0014180, OMIM 615425.
Hereditary sensory and autonomic neuropathy type 6. Also called: Neuropathy, hereditary sensory and autonomic, type VI; HSAN VI. Identifiers: Orphanet 314381, MedGen C3539003, MONDO:0013839, OMIM 614653.

Allele frequency attached by ClinVar (database versions not stated): gnomAD exomes 0.00001; ExAC 0.00002; gnomAD 0.00003 and 0.00004; TOPMed 0.00004; ESP Exome Variant Server 0.00008.
gnomAD v4.1: 17 of 1,613,518 alleles (0.0011%); highest among the groups gnomAD compares: Non-Finnish European, 0.0014%; no homozygotes.

Submissions (2):

Labcorp Genetics (formerly Invitae), Labcorp
Classification: Uncertain significance for Epidermolysis bullosa simplex 3, localized or generalized intermediate, with BP230 deficiency; Hereditary sensory and autonomic neuropathy type 6. Last evaluated: 2021-08-20. Review status: criteria provided, single submitter. Criteria: Invitae Variant Classification Sherloc (09022015). Collection method: clinical testing. Allele origin: germline.

Ambry Genetics
Classification: Uncertain significance for Inborn genetic diseases. Last evaluated: 2021-06-04. Review status: criteria provided, single submitter. Criteria: Ambry Variant Classification Scheme 2023. Collection method: clinical testing. Allele origin: germline.
Comment: The p.T2720A variant (also known as c.8158A>G), located in coding exon 53 of the DST gene, results from an A to G substitution at nucleotide position 8158. The threonine at codon 2720 is replaced by alanine, an amino acid with similar properties. This amino acid position is not well conserved in available vertebrate species. In addition, this alteration is predicted to be tolerated by in silico analysis. Since supporting evidence is limited at this time, the clinical significance of this alteration remains unclear.